The following is an entry in ClinVar:

NM_001267550.2(TTN):c.17747T>C (p.Ile5916Thr)

Gene: TTN (titin; minus strand). Cytogenetic location: 2q31.2.
Variant type: single nucleotide variant.
Coding change: c.17747T>C on transcript NM_001267550.2 (MANE Select); coding-DNA position 17747, T replaced by C.
Protein change: p.Ile5916Thr; replaces isoleucine 5916 with threonine.
Molecular consequence: missense variant. On other transcripts: intron variant (3).
Genome position (GRCh38, 1-based): chr2:178,730,786, A>G on the plus strand (T>C on the coding strand, the complement: TTN is on the minus strand). VCF-style: chr2-178730786-A-G. GRCh37 (hg19) VCF-style: chr2-179595513-A-G.
Other names: c.16796T>C, p.Ile5599Thr (NM_001256850.1); c.14015T>C, p.Ile4672Thr (NM_133378.4); c.13282+7296T>C (NM_003319.4); c.13858+7296T>C (NM_133437.4); c.13657+7296T>C (NM_133432.3); short protein forms I4672T, I5599T, I5916T.
Identifiers: ClinVar variation 1163435 (VCV001163435.6), dbSNP rs1474601616, ClinGen allele CA349569890.

ClinVar aggregate classification (germline): Conflicting classifications of pathogenicity. Review status: criteria provided, conflicting classifications (1 of 4 stars). 2 submissions from 2 submitters: Uncertain significance (1); Likely benign (1). Last evaluated 2026-03-27.

Allele frequency attached by ClinVar (database versions not stated): gnomAD exomes 0.00001 and below 0.00001.

Submissions (2):

Molecular Diagnostic Laboratory for Inherited Cardiovascular Disease, Montreal Heart Institute
Classification: Likely benign. Last evaluated: 2026-03-27. Review status: criteria provided, single submitter. Criteria: ACMG Guidelines, 2015. Collection method: clinical testing. Allele origin: germline. Affected: no.
Comment: BP1

Mayo Clinic Laboratories, Mayo Clinic
Classification: Uncertain significance. Last evaluated: 2020-08-18. Review status: criteria provided, single submitter. Criteria: ACMG Guidelines, 2015. Collection method: clinical testing. Allele origin: germline. Observed: 1 variant allele.